The following is an entry in ClinVar:

NM_000179.3(MSH6):c.4001+1G>A

Gene: MSH6 (mutS homolog 6; plus strand). Cytogenetic location: 2p16.3.
Variant type: single nucleotide variant.
Coding change: c.4001+1G>A on transcript NM_000179.3 (MANE Select); the canonical splice donor site of the intron after coding-DNA position 4001, G replaced by A.
Molecular consequence: splice donor variant. On other transcripts: intron variant (1).
Genome position (GRCh38, 1-based): chr2:47,806,652, G>A. VCF-style: chr2-47806652-G-A. GRCh37 (hg19) VCF-style: chr2-48033791-G-A.
Other names: c.4001+1G>A (NM_001406809.1, NM_001406796.1, NM_001406808.1); c.3095+1G>A (NM_001406811.1, NM_001406814.1, NM_001281493.2 and 6 more transcripts); c.3704+1G>A (NM_001406805.1, NM_001406797.1, NM_001406801.1 and 10 more transcripts); c.4097+1G>A (NM_001406795.1); c.3898-127G>A (NM_001406802.1); c.4007+1G>A (NM_001406813.1); c.3476+1G>A (NM_001406807.1, NM_001406799.1, NM_001406806.1); c.*22+1G>A (NM_001406800.1); and 9 more.
Identifiers: ClinVar variation 1320037 (VCV001320037.9), dbSNP rs1114167729, ClinGen allele CA346761611.

ClinVar aggregate classification (germline): Pathogenic/Likely pathogenic. Review status: criteria provided, multiple submitters, no conflicts (2 of 4 stars). 4 submissions from 4 submitters: Pathogenic (1); Likely pathogenic (2). 1 of the submissions does not count toward it. Last evaluated 2025-11-03.

Conditions:
Hereditary nonpolyposis colorectal neoplasms. Identifiers: MedGen C0009405, MeSH D003123.
Hereditary cancer-predisposing syndrome. Also called: Hereditary neoplastic syndrome; Neoplastic Syndromes, Hereditary; Tumor predisposition; Hereditary Cancer Syndrome. Identifiers: Orphanet 140162, MedGen C0027672, MeSH D009386, MONDO:0015356.
Lynch syndrome 5 (LYNCH5). Also called: Colorectal cancer, hereditary nonpolyposis, type 5; Hereditary non-polyposis colorectal cancer, type 5. Identifiers: Orphanet 144, MedGen C1833477, MONDO:0013710, OMIM 614350. Disease mechanism: loss of function.

Submissions (4):

Labcorp Genetics (formerly Invitae), Labcorp
Classification: Likely pathogenic for Hereditary nonpolyposis colorectal neoplasms. Last evaluated: 2025-11-03. Review status: criteria provided, single submitter. Criteria: Invitae Variant Classification Sherloc (09022015). Collection method: clinical testing. Allele origin: germline.
Comment: This sequence change affects a donor splice site in intron 9 of the MSH6 gene. While this variant is not anticipated to result in nonsense mediated decay, it likely alters RNA splicing and results in a disrupted protein product. This variant is not present in population databases (gnomAD no frequency). Disruption of this splice site has been observed in individuals with clinical features of Lynch syndrome (PMID: 18566915, 21836479, 22495361). It has also been observed to segregate with disease in related individuals. ClinVar contains an entry for this variant (Variation ID: 1320037). Variants that disrupt the consensus splice site are a relatively common cause of aberrant splicing (PMID: 17576681, 9536098). Algorithms developed to predict the effect of sequence changes on RNA splicing suggest that this variant may disrupt the consensus splice site. In summary, the currently available evidence indicates that the variant is pathogenic, but additional data are needed to prove that conclusively. Therefore, this variant has been classified as Likely Pathogenic.

Ambry Genetics
Classification: Pathogenic for Hereditary cancer-predisposing syndrome. Last evaluated: 2025-03-19. Review status: criteria provided, single submitter. Criteria: Ambry Variant Classification Scheme 2023. Collection method: clinical testing. Allele origin: germline.
Comment: The c.4001+1G>A intronic pathogenic mutation results from a G to A substitution one nucleotide after coding exon 9 of the MSH6 gene. This variant has been identified in a proband(s) whose Lynch syndrome-associated tumor demonstrated loss of MSH6 expression by immunohistochemistry (Li S et al. J. Med. Genet. 2020 Jan;57:62-69; Ambry internal data). Another alteration impacting the same donor site (c.4001+2T>C) has been described in several Danish HNPCC/Lynch syndrome families (Nilbert M et al. Fam. Cancer 2009;8(1):75-83; Jensen UB et al. Breast Cancer Res. Treat., 2010 Apr;120:777-82; Okkels H et al. Appl Immunohistochem Mol Morphol. 2012 Oct;20(5):470-7; Therkildsen C et al. Eur. J. Neurol., 2015 Apr;22:717-24). This variant is considered to be rare based on population cohorts in the Genome Aggregation Database (gnomAD). This nucleotide position is highly conserved in available vertebrate species. In silico splice site analysis predicts that this alteration will weaken the native splice donor site. RNA studies have demonstrated that this alteration results in abnormal splicing in the set of samples tested (Ambry internal data). Alterations that disrupt the canonical splice site are expected to cause aberrant splicing, resulting in an abnormal protein or a transcript that is subject to nonsense-mediated mRNA decay. As such, this alteration is classified as a disease-causing mutation.

Myriad Genetics, Inc.
Classification: Likely pathogenic for Lynch syndrome 5. Last evaluated: 2023-08-29. Review status: criteria provided, single submitter. Criteria: Myriad Autosomal Dominant, Autosomal Recessive and X-Linked Classification Criteria (2023). Collection method: clinical testing. Allele origin: unknown.
Comment: This variant is considered likely pathogenic. This variant occurs within a consensus splice junction and is predicted to result in abnormal mRNA splicing of either an out-of-frame exon or an in-frame exon necessary for protein stability and/or normal function.

MVZ Praenatalmedizin und Genetik Nuernberg
Classification: Likely pathogenic for Lynch syndrome 5. Last evaluated: 2021-03-31. Review status: no assertion criteria provided. Collection method: clinical testing. Allele origin: germline. Inheritance: Autosomal dominant inheritance. Affected: yes. Observed: 1 heterozygote. Not counted in ClinVar's aggregate classification.
Comment: This variant was not listed in the databases (ClinVar, LOVD). GnomAD shows no entry (very rare or private variant). This variant is located in the highly conserved splicing-consenus-locus and in silico analysis consistently predict a damaging effect. In the literature the variant was described as pathogenic for a patient (PMID:25980754). A different substitutions at c.4001+1 is listed in ClinVar as likely-pathogenic: NM_000179.3(MSH6):c.4001+1G>C. Taken together, we classify this variant as likely pathogenic.

Literature cited by the submitters: PubMed 18566915 (cited by Labcorp Genetics (formerly Invitae), Labcorp); PubMed 21836479 (cited by Labcorp Genetics (formerly Invitae), Labcorp); PubMed 22495361 (cited by Labcorp Genetics (formerly Invitae), Labcorp); PubMed 17576681 (cited by Labcorp Genetics (formerly Invitae), Labcorp); PubMed 9536098 (cited by Labcorp Genetics (formerly Invitae), Labcorp); PubMed 25980754 (cited by MVZ Praenatalmedizin und Genetik Nuernberg).